The following is an entry in ClinVar:

NM_000245.4(MET):c.3167G>A (p.Ser1056Asn)

Gene: MET (MET proto-oncogene, receptor tyrosine kinase; plus strand). Cytogenetic location: 7q31.2.
Variant type: single nucleotide variant.
Coding change: c.3167G>A on transcript NM_000245.4 (MANE Select); coding-DNA position 3167, G replaced by A.
Protein change: p.Ser1056Asn; replaces serine 1056 with asparagine.
Molecular consequence: missense variant.
Genome position (GRCh38, 1-based): chr7:116,775,019, G>A. VCF-style: chr7-116775019-G-A. GRCh37 (hg19) VCF-style: chr7-116415073-G-A.
Other names: c.3221G>A, p.Ser1074Asn (NM_001127500.3); c.1877G>A, p.Ser626Asn (NM_001324402.2); short protein forms S1056N, S626N, S1074N.
Identifiers: ClinVar variation 1729087 (VCV001729087.6), dbSNP rs2117031219, ClinGen allele CA368988442.

ClinVar aggregate classification (germline): Uncertain significance. Review status: criteria provided, multiple submitters, no conflicts (2 of 4 stars). 2 submissions from 2 submitters: Uncertain significance (2). Last evaluated 2025-08-02.

Conditions:
Renal cell carcinoma. Identifiers: Orphanet 217071, MedGen C0007134, MeSH D002292, MONDO:0005086, HP:0005584.
Hereditary cancer-predisposing syndrome. Also called: Tumor predisposition; Neoplastic Syndromes, Hereditary; Hereditary Cancer Syndrome; Hereditary neoplastic syndrome. Identifiers: Orphanet 140162, MedGen C0027672, MeSH D009386, MONDO:0015356.

Submissions (2):

Ambry Genetics
Classification: Uncertain significance for Hereditary cancer-predisposing syndrome. Last evaluated: 2025-08-02. Review status: criteria provided, single submitter. Criteria: Ambry Variant Classification Scheme 2023. Collection method: clinical testing. Allele origin: germline.
Comment: The p.S1074N variant (also known as c.3221G>A), located in coding exon 14 of the MET gene, results from a G to A substitution at nucleotide position 3221. The serine at codon 1074 is replaced by asparagine, an amino acid with highly similar properties. This amino acid position is conserved. In addition, this alteration is predicted to be tolerated by in silico analysis. Since supporting evidence is limited at this time, the clinical significance of this alteration remains unclear.

Labcorp Genetics (formerly Invitae), Labcorp
Classification: Uncertain significance for Renal cell carcinoma. Last evaluated: 2023-02-08. Review status: criteria provided, single submitter. Criteria: Invitae Variant Classification Sherloc (09022015). Collection method: clinical testing. Allele origin: germline.
Comment: In summary, the available evidence is currently insufficient to determine the role of this variant in disease. Therefore, it has been classified as a Variant of Uncertain Significance. Advanced modeling of protein sequence and biophysical properties (such as structural, functional, and spatial information, amino acid conservation, physicochemical variation, residue mobility, and thermodynamic stability) performed at Invitae indicates that this missense variant is not expected to disrupt MET protein function. ClinVar contains an entry for this variant (Variation ID: 1729087). This variant has not been reported in the literature in individuals affected with MET-related conditions. This variant is not present in population databases (gnomAD no frequency). This sequence change replaces serine, which is neutral and polar, with asparagine, which is neutral and polar, at codon 1074 of the MET protein (p.Ser1074Asn).